The following is an entry in ClinVar:

NM_020699.4(GATAD2B):c.1321T>C (p.Cys441Arg)

Gene: GATAD2B (GATA zinc finger domain containing 2B; minus strand). Cytogenetic location: 1q21.3.
Variant type: single nucleotide variant.
Coding change: c.1321T>C on transcript NM_020699.4 (MANE Select); coding-DNA position 1321, T replaced by C.
Protein change: p.Cys441Arg; replaces cysteine 441 with arginine.
Molecular consequence: missense variant.
Genome position (GRCh38, 1-based): chr1:153,813,348, A>G on the plus strand (T>C on the coding strand, the complement: GATAD2B is on the minus strand). VCF-style: chr1-153813348-A-G. GRCh37 (hg19) VCF-style: chr1-153785824-A-G.
Other names: short protein forms C441R.
Identifiers: ClinVar variation 1183040 (VCV001183040.5), dbSNP rs2101876357, ClinGen allele CA342524452.

ClinVar aggregate classification (germline): Pathogenic (1 of 4 stars; one submission).

Submission:

GeneDx
Classification: Pathogenic. Last evaluated: 2022-11-09. Review status: criteria provided, single submitter. Criteria: GeneDx Variant Classification Process June 2021. Collection method: clinical testing. Allele origin: germline. Affected: yes.
Comment: Not observed in large population cohorts (gnomAD); In silico analysis supports that this missense variant has a deleterious effect on protein structure/function; Has not been previously published as pathogenic or benign to our knowledge